The following is an entry in ClinVar:

NM_000093.5(COL5A1):c.4909C>T (p.Arg1637Cys)

Genes: COL5A1 (collagen type V alpha 1 chain; plus strand), LOC101448202 (uncharacterized LOC101448202; minus strand). Cytogenetic location: 9q34.3.
Variant type: single nucleotide variant.
Coding change: c.4909C>T on transcript NM_000093.5 (MANE Select); coding-DNA position 4909, C replaced by T.
Protein change: p.Arg1637Cys; replaces arginine 1637 with cysteine.
Molecular consequence: missense variant.
Genome position (GRCh38, 1-based): chr9:134,824,810, C>T. VCF-style: chr9-134824810-C-T. GRCh37 (hg19) VCF-style: chr9-137716656-C-T.
Other names: p.Arg1637Cys; c.4909C>T (NM_000093.3); c.4909C>T, p.Arg1637Cys (NM_001278074.1); short protein forms R1637C.
Identifiers: ClinVar variation 222525 (VCV000222525.22), dbSNP rs753433375, ClinGen allele CA070321.
Genomic context (GRCh38, chr9:134,824,810, plus strand): 5'-TCTCTGAAGCTGGAGATTGAGCAGATGAAACGGCCCCTGGGCACGCAGCAGAACCCCGCC[C>T]GCACCTGCAAGGACCTGCAGCTCTGCCACCCCGACTTCCCAGATGGTGAGGGCCTGGGGG-3'
Protein context (NP_000084.3, residues 1627-1647): RPLGTQQNPA[Arg1637Cys]TCKDLQLCHP

ClinVar aggregate classification (germline): Conflicting classifications of pathogenicity. Review status: criteria provided, conflicting classifications (1 of 4 stars). 6 submissions from 6 submitters: Uncertain significance (5); Benign (1). Last evaluated 2026-08-04.

Conditions:
Ehlers-Danlos syndrome, classic type, 1 (EDSCL1). Also called: EDS I; Ehlers-Danlos Syndrome, Classic Type, COL5A1-Related; EHLERS-DANLOS SYNDROME, GRAVIS TYPE; EHLERS-DANLOS SYNDROME, SEVERE CLASSIC TYPE; Ehlers-Danlos syndrome, type 1. Identifiers: MedGen C0268335, MONDO:0019567, OMIM 130000.
COL5A1-related disorder. Also called: COL5A1-related condition.
Familial thoracic aortic aneurysm and aortic dissection (TAAD). Also called: Thoracic aortic aneurysms and dissections. Identifiers: Orphanet 91387, MedGen C4707243, MONDO:0019625.

Allele frequency attached by ClinVar (database versions not stated): gnomAD exomes 0.00002; TOPMed 0.00002; ExAC 0.00003; gnomAD 0.00003.
gnomAD v4.1: 33 of 1,613,818 alleles (0.002%); highest among the groups gnomAD compares: South Asian, 0.0055%; no homozygotes.

Submissions (6):

Ambry Genetics
Classification: Uncertain significance for Familial thoracic aortic aneurysm and aortic dissection. Last evaluated: 2026-08-04. Review status: criteria provided, single submitter. Criteria: Ambry Variant Classification Scheme 2023. Collection method: clinical testing. Allele origin: germline.
Comment: The c.4909C>T (p.R1637C) alteration is located in exon 62 (coding exon 62) of the COL5A1 gene. This alteration results from a C to T substitution at nucleotide position 4909, causing the arginine (R) at amino acid position 1637 to be replaced by a cysteine (C). Based on data from gnomAD, the T allele has an overall frequency of 0.002% (6/279750) total alleles studied. The highest observed frequency was 0.013% (4/30594) of South Asian alleles. Based on insufficient or conflicting evidence, the clinical significance of this alteration remains unclear.

Labcorp Genetics (formerly Invitae), Labcorp
Classification: Benign for Ehlers-Danlos syndrome, classic type, 1. Last evaluated: 2025-12-29. Review status: criteria provided, single submitter. Criteria: Invitae Variant Classification Sherloc (09022015). Collection method: clinical testing. Allele origin: germline.

Mayo Clinic Laboratories, Mayo Clinic
Classification: Uncertain significance. Last evaluated: 2025-08-18. Review status: criteria provided, single submitter. Criteria: ACMG Guidelines, 2015. Collection method: clinical testing. Allele origin: germline. Observed: 2 variant alleles.
Comment: PP3_moderate

GeneDx
Classification: Uncertain significance. Last evaluated: 2025-05-27. Review status: criteria provided, single submitter. Criteria: GeneDx Variant Classification Process June 2021. Collection method: clinical testing. Allele origin: germline. Affected: yes.
Comment: Has not been previously published as pathogenic or benign to our knowledge; Not located in the triple helical region, where the majority of pathogenic missense variants occur (PMID: 22696272; HGMD); In silico analysis supports that this missense variant has a deleterious effect on protein structure/function; This variant is associated with the following publications: (PMID: 22696272)

PreventionGenetics, part of Exact Sciences
Classification: Uncertain significance for COL5A1-related condition. Last evaluated: 2025-01-13. Review status: criteria provided, single submitter. Criteria: ACMG Guidelines, 2015. Collection method: clinical testing. Allele origin: germline.
Comment: The COL5A1 c.4909C>T variant is predicted to result in the amino acid substitution p.Arg1637Cys. To our knowledge, this variant has not been reported in the literature. This variant is reported in 0.013% of alleles in individuals of South Asian descent in gnomAD. At this time, the clinical significance of this variant is uncertain due to the absence of conclusive functional and genetic evidence.

Women's Health and Genetics/Laboratory Corporation of America, LabCorp
Classification: Uncertain significance. Last evaluated: 2024-08-12. Review status: criteria provided, single submitter. Criteria: LabCorp Variant Classification Summary - May 2015. Collection method: clinical testing. Allele origin: germline.
Comment: Variant summary: COL5A1 c.4909C>T (p.Arg1637Cys) results in a non-conservative amino acid change located in the Fibrillar collagen, C-terminal domain (Fibrillar collagen, C-terminal) of the encoded protein sequence. Five of five in-silico tools predict a damaging effect of the variant on protein function. The variant allele was found at a frequency of 2e-05 in 1613818 control chromosomes. This frequency is not significantly higher than estimated for a pathogenic variant in COL5A1 causing Ehlers-Danlos Syndrome (2e-05 vs 3.1e-05), allowing no conclusion about variant significance. To our knowledge, no occurrence of c.4909C>T in individuals affected with Ehlers-Danlos Syndrome and no experimental evidence demonstrating its impact on protein function have been reported. ClinVar contains an entry for this variant (Variation ID: 222525). Based on the evidence outlined above, the variant was classified as uncertain significance.